The following is an entry in ClinVar:

NM_021628.3(ALOXE3):c.418C>T (p.Arg140Ter)

Gene: ALOXE3 (arachidonate epidermal lipoxygenase 3; minus strand). Cytogenetic location: 17p13.1.
Variant type: single nucleotide variant.
Coding change: c.418C>T on transcript NM_021628.3 (MANE Select); coding-DNA position 418, C replaced by T.
Protein change: p.Arg140Ter; replaces arginine 140 with a stop codon.
Molecular consequence: nonsense.
Genome position (GRCh38, 1-based): chr17:8,115,623, G>A on the plus strand (C>T on the coding strand, the complement: ALOXE3 is on the minus strand). VCF-style: chr17-8115623-G-A. GRCh37 (hg19) VCF-style: chr17-8018941-G-A.
Other names: c.814C>T, p.Arg272Ter (NM_001165960.1); c.418C>T, p.Arg140Ter (NM_001369446.1); short protein forms R140*, R272*.
Identifiers: ClinVar variation 217301 (VCV000217301.2), dbSNP rs370031870, ClinGen allele CA210111.
Genomic context (GRCh38, chr17:8,115,623, plus strand): 5'-TCAGGATAAAGATGGGGAAAGAAGTCAAATTAGGCCACCCTCACCGGTAGCATTCTTGTC[G>A]GGCCCGGAGCTCCCGTGTCCTGTGATCCAGGAGGAGGGGAAGAGAGTCCTGACAAATAGT-3'

ClinVar aggregate classification (germline): Pathogenic. Review status: criteria provided, single submitter (1 of 4 stars). 3 submissions from 3 submitters: Pathogenic (1). 2 of the submissions do not count toward it. Last evaluated 2022-11-09.

Conditions:
Lamellar ichthyosis. Identifiers: Orphanet 313, MedGen C5848247, MONDO:0017778.
Autosomal recessive congenital ichthyosis 3 (ARCI3). Also called: ICHTHYOSIS, LAMELLAR, 5. Identifiers: MedGen C3539888, MONDO:0011680, OMIM 606545.
Ichthyosis. Also called: Ichthyosis (disease). Identifiers: Orphanet 79354, MedGen C0020757, MONDO:0019269, HP:0008064.

Allele frequency attached by ClinVar (database versions not stated): ExAC 0.00001; gnomAD 0.00001; TOPMed 0.00001; ESP Exome Variant Server 0.00008.
gnomAD v4.1: 17 of 1,613,756 alleles (0.0011%); highest among the groups gnomAD compares: Middle Eastern, 0.033%; no homozygotes.

Submissions (3):

Women's Health and Genetics/Laboratory Corporation of America, LabCorp
Classification: Pathogenic for Lamellar ichthyosis. Last evaluated: 2022-11-09. Review status: criteria provided, single submitter. Criteria: LabCorp Variant Classification Summary - May 2015. Collection method: clinical testing. Allele origin: germline.
Comment: Variant summary: ALOXE3 c.418C>T (p.Arg140X) results in a premature termination codon, predicted to cause a truncation of the encoded protein or absence of the protein due to nonsense mediated decay, which are commonly known mechanisms for disease. Truncations downstream of this position have been observed in association with autosomal recessive Lamellar Ichthyosis in the HGMD database. The variant allele was found at a frequency of 2e-05 in 251476 control chromosomes. c.418C>T has been reported in the literature as a homozygous genotype in multiple individuals affected with Lamellar Ichthyosis (example, Liu_2015, Ullah_2016, Ijaz_2019). These data indicate that the variant is very likely to be associated with disease. To our knowledge, no experimental evidence demonstrating an impact on protein function has been reported. One clinical diagnostic laboratory has submitted clinical-significance assessments for this variant to ClinVar after 2014 without evidence for independent evaluation and classified the variant as pathogenic. Based on the evidence outlined above, the variant was classified as pathogenic.

University of Washington Center for Mendelian Genomics, University of Washington
Classification: Pathogenic for Ichthyosis. Last evaluated: 2015-11-17. Review status: no assertion criteria provided. Collection method: research. Allele origin: germline. Inheritance: Autosomal recessive inheritance. Affected: yes. Observed: 2 homozygotes. Not counted in ClinVar's aggregate classification.

Department of Molecular and Human Genetics, Baylor College of Medicine
Classification: Pathogenic for Ichthyosis, congenital, autosomal recessive 3; ARCI3. Review status: no assertion criteria provided. Collection method: research. Allele origin: germline. Affected: yes. Not counted in ClinVar's aggregate classification.

Literature cited by the submitters: PubMed 30270455 (cited by Women's Health and Genetics/Laboratory Corporation of America, LabCorp); PubMed 26274329 (cited by Women's Health and Genetics/Laboratory Corporation of America, LabCorp); PubMed 26578203 (cited by Women's Health and Genetics/Laboratory Corporation of America, LabCorp); PMC 5090260 (cited by University of Washington Center for Mendelian Genomics, University of Washington); PubMed 24824130 (cited by Department of Molecular and Human Genetics, Baylor College of Medicine).